The following is an entry in ClinVar:

ClinVar aggregate classification (germline): Uncertain significance (1 of 4 stars; one submission).

Conditions:
Severe combined immunodeficiency due to DNA-PKcs deficiency. Also called: IMMUNODEFICIENCY 26 WITH NEUROLOGIC ABNORMALITIES; Immunodeficiency 26 with or without neurologic abnormalities. Identifiers: Orphanet 317425, MedGen C4014833, MONDO:0014423, OMIM 615966.

Allele frequency attached by ClinVar (database versions not stated): ExAC 0.00001; gnomAD exomes 0.00001.
gnomAD v4.1: 9 of 1,598,380 alleles (0.00056%); highest among the groups gnomAD compares: Non-Finnish European, 0.00069%; no homozygotes.

Submission:

Labcorp Genetics (formerly Invitae), Labcorp
Classification: Uncertain significance for Severe combined immunodeficiency due to DNA-PKcs deficiency. Last evaluated: 2021-04-11. Review status: criteria provided, single submitter. Criteria: Invitae Variant Classification Sherloc (09022015). Collection method: clinical testing. Allele origin: germline.
Comment: This sequence change replaces leucine with serine at codon 2519 of the PRKDC protein (p.Leu2519Ser). The leucine residue is highly conserved and there is a large physicochemical difference between leucine and serine. This variant is present in population databases (rs767043347, ExAC 0.002%). This variant has not been reported in the literature in individuals with PRKDC-related conditions. Experimental studies and prediction algorithms are not available or were not evaluated, and the functional significance of this variant is currently unknown. In summary, the available evidence is currently insufficient to determine the role of this variant in disease. Therefore, it has been classified as a Variant of Uncertain Significance.

NM_006904.7(PRKDC):c.7556T>C (p.Leu2519Ser)

Gene: PRKDC (protein kinase, DNA-activated, catalytic subunit; minus strand). Cytogenetic location: 8q11.21.
Variant type: single nucleotide variant.
Coding change: c.7556T>C on transcript NM_006904.7 (MANE Select); coding-DNA position 7556, T replaced by C.
Protein change: p.Leu2519Ser; replaces leucine 2519 with serine.
Molecular consequence: missense variant.
Genome position (GRCh38, 1-based): chr8:47,837,417, A>G on the plus strand (T>C on the coding strand, the complement: PRKDC is on the minus strand). VCF-style: chr8-47837417-A-G. GRCh37 (hg19) VCF-style: chr8-48749978-A-G.
Other names: c.7556T>C, p.Leu2519Ser (NM_001081640.2); short protein forms L2519S.
Identifiers: ClinVar variation 1521062 (VCV001521062.3), dbSNP rs767043347, ClinGen allele CA4740076.